The following is an entry in ClinVar:

ClinVar aggregate classification (germline): Uncertain significance (1 of 4 stars; one submission).

Allele frequency attached by ClinVar (database versions not stated): gnomAD exomes below 0.00001.
gnomAD v4.1: 5 of 1,552,100 alleles (0.00032%); highest among the groups gnomAD compares: Non-Finnish European, 0.00044%; no homozygotes.

Submission:

Labcorp Genetics (formerly Invitae), Labcorp
Classification: Uncertain significance. Last evaluated: 2024-10-22. Review status: criteria provided, single submitter. Criteria: Invitae Variant Classification Sherloc (09022015). Collection method: clinical testing. Allele origin: germline.
Comment: This sequence change replaces isoleucine, which is neutral and non-polar, with valine, which is neutral and non-polar, at codon 1854 of the UNC80 protein (p.Ile1854Val). This variant is not present in population databases (gnomAD no frequency). This variant has not been reported in the literature in individuals affected with UNC80-related conditions. ClinVar contains an entry for this variant (Variation ID: 2013025). Invitae Evidence Modeling of protein sequence and biophysical properties (such as structural, functional, and spatial information, amino acid conservation, physicochemical variation, residue mobility, and thermodynamic stability) indicates that this missense variant is not expected to disrupt UNC80 protein function with a negative predictive value of 80%. In summary, the available evidence is currently insufficient to determine the role of this variant in disease. Therefore, it has been classified as a Variant of Uncertain Significance.

NM_001371986.1(UNC80):c.5758A>G (p.Ile1920Val)

Gene: UNC80 (unc-80 subunit of NALCN channel complex; plus strand). Cytogenetic location: 2q34.
Variant type: single nucleotide variant.
Coding change: c.5758A>G on transcript NM_001371986.1 (MANE Select); coding-DNA position 5758, A replaced by G.
Protein change: p.Ile1920Val; replaces isoleucine 1920 with valine.
Molecular consequence: missense variant.
Genome position (GRCh38, 1-based): chr2:209,926,938, A>G. VCF-style: chr2-209926938-A-G. GRCh37 (hg19) VCF-style: chr2-210791662-A-G.
Other names: c.5560A>G, p.Ile1854Val (NM_032504.2); c.5545A>G, p.Ile1849Val (NM_182587.4); short protein forms I1849V, I1854V, I1920V.
Identifiers: ClinVar variation 2013025 (VCV002013025.4), dbSNP rs2124960331, ClinGen allele CA350765521.